The following is an entry in ClinVar:

NM_182961.4(SYNE1):c.3769G>A (p.Glu1257Lys)

Gene: SYNE1 (spectrin repeat containing nuclear envelope protein 1; minus strand). Cytogenetic location: 6q25.2.
Variant type: single nucleotide variant.
Coding change: c.3769G>A on transcript NM_182961.4 (MANE Select); coding-DNA position 3769, G replaced by A.
Protein change: p.Glu1257Lys; replaces glutamic acid 1257 with lysine.
Molecular consequence: missense variant.
Genome position (GRCh38, 1-based): chr6:152,444,479, C>T on the plus strand (G>A on the coding strand, the complement: SYNE1 is on the minus strand). VCF-style: chr6-152444479-C-T. GRCh37 (hg19) VCF-style: chr6-152765614-C-T.
Other names: c.3790G>A, p.Glu1264Lys (NM_033071.5); short protein forms E1257K, E1264K.
Identifiers: ClinVar variation 1920375 (VCV001920375.5), dbSNP rs2098557988, ClinGen allele CA366147614.

ClinVar aggregate classification (germline): Uncertain significance (1 of 4 stars; one submission).

Conditions:
Emery-Dreifuss muscular dystrophy 4, autosomal dominant (EDMD4). Also called: EMERY-DREIFUSS MUSCULAR DYSTROPHY 4 WITH VARIABLE FEATURES. Identifiers: Orphanet 261, MedGen C2751807, MONDO:0013071, OMIM 612998.
Autosomal recessive ataxia, Beauce type. Also called: SYNE1-Related Autosomal Recessive Cerebellar Ataxia; SYNE1 Deficiency; Spinocerebellar ataxia, autosomal recessive 8; ATAXIA, RECESSIVE, OF BEAUCE. Identifiers: Orphanet 88644, MedGen C1853116, MONDO:0012549, OMIM 610743.

Allele frequency attached by ClinVar (database versions not stated): TOPMed below 0.00001.

Submission:

Labcorp Genetics (formerly Invitae), Labcorp
Classification: Uncertain significance for Emery-Dreifuss muscular dystrophy 4, autosomal dominant; Autosomal recessive ataxia, Beauce type. Last evaluated: 2022-08-24. Review status: criteria provided, single submitter. Criteria: Invitae Variant Classification Sherloc (09022015). Collection method: clinical testing. Allele origin: germline.
Comment: In summary, the available evidence is currently insufficient to determine the role of this variant in disease. Therefore, it has been classified as a Variant of Uncertain Significance. Algorithms developed to predict the effect of missense changes on protein structure and function (SIFT, PolyPhen-2, Align-GVGD) all suggest that this variant is likely to be tolerated. This variant has not been reported in the literature in individuals affected with SYNE1-related conditions. This variant is not present in population databases (gnomAD no frequency). This sequence change replaces glutamic acid, which is acidic and polar, with lysine, which is basic and polar, at codon 1264 of the SYNE1 protein (p.Glu1264Lys).